The following is an entry in ClinVar:

NM_000535.7(PMS2):c.532AAG[1] (p.Lys179del)

Gene: PMS2 (PMS1 homolog 2, mismatch repair system component; minus strand). Cytogenetic location: 7p22.1.
Variant type: Microsatellite.
Coding change: c.532AAG[1] on transcript NM_000535.7 (MANE Select); one copy of the 3-base unit AAG starting at c.532; the reference has two copies in a row; one copy, 3 bases deleted; also written c.535_537del.
Protein change: p.Lys179del; deletes lysine 179.
Molecular consequence: inframe deletion. On other transcripts: 5 prime UTR variant (2), non-coding transcript variant (1).
Genome position (GRCh38, 1-based): chr7:6,002,453-6,002,455, CTT deleted on the plus strand (AAG on the coding strand, the reverse complement: PMS2 is on the minus strand); deleting any 3 consecutive bases within chr7:6,002,453-6,002,458 gives the same sequence; the position shown is the placement nearest the transcript's 3' end. VCF-style (leftmost placement, unchanged base first): chr7-6002452-CCTT-C. GRCh37 (hg19) VCF-style: chr7-6042083-CCTT-C.
Other names: c.535_537del (NM_000535.5, NM_000535.7); c.127AAG[1], p.Lys44del (NM_001322003.2, NM_001322004.2, NM_001322005.2 and 3 more transcripts); c.532AAG[1], p.Lys179del (NM_001322006.2, NM_001322014.2); c.214AAG[1], p.Lys73del (NM_001322007.2, NM_001322008.2); c.-353AAG[1] (NM_001322011.2, NM_001322012.2); c.223AAG[1], p.Lys76del (NM_001322015.2); short protein forms K179del, K76del, K73del, K44del.
Identifiers: ClinVar variation 234572 (VCV000234572.16), dbSNP rs876661092, ClinGen allele CA10577354.

ClinVar aggregate classification (germline): Conflicting classifications of pathogenicity. Review status: criteria provided, conflicting classifications (1 of 4 stars). 5 submissions from 5 submitters: Likely pathogenic (1); Uncertain significance (4). Last evaluated 2026-06-16.

Conditions:
Hereditary nonpolyposis colorectal neoplasms. Identifiers: MedGen C0009405, MeSH D003123.
Hereditary cancer-predisposing syndrome. Also called: Tumor predisposition; Neoplastic Syndromes, Hereditary; Hereditary Cancer Syndrome; Hereditary neoplastic syndrome. Identifiers: Orphanet 140162, MedGen C0027672, MeSH D009386, MONDO:0015356.

Submissions (5):

Ambry Genetics
Classification: Likely pathogenic for Hereditary cancer-predisposing syndrome. Last evaluated: 2026-06-16. Review status: criteria provided, single submitter. Criteria: Ambry Variant Classification Scheme 2023. Collection method: clinical testing. Allele origin: germline.
Comment: The c.535_537delAAG variant (also known as p.K179del) is located in coding exon 5 of the PMS2 gene. This variant results from an in-frame AAG deletion at nucleotide positions 535 to 537. This results in the in-frame deletion of a lysine at codon 179. This variant has been identified in a proband(s) whose Lynch syndrome-associated tumor demonstrated loss of PMS2 expression by immunohistochemistry (Li S et al. J. Med. Genet. 2020 Jan;57:62-69; , External communication, Ambry internal data).This nucleotide position is highly conserved in available vertebrate species. This amino acid position is highly conserved in available vertebrate species and the impacted region is critical for protein function (Ambry internal data). In addition, this alteration is predicted to be deleterious by in silico analysis (Choi Y et al. PLoS ONE. 2012; 7(10):e46688). In silico splice site analysis predicts that this alteration will weaken the native splice donor site and will result in the creation or strengthening of a novel splice donor site. RNA studies have demonstrated a non-spliceogenic impact due to the genomic deletion. Based on the majority of available evidence to date, this variant is likely to be pathogenic.

Color Diagnostics, LLC DBA Color Health
Classification: Uncertain significance for Hereditary cancer-predisposing syndrome. Last evaluated: 2025-08-12. Review status: criteria provided, single submitter. Criteria: ACMG Guidelines, 2015. Collection method: clinical testing. Allele origin: germline.
Comment: This variant deletes the last 3 nucleotides in exon 5, resulting in the in-frame deletion of one amino acid residue, p.Lys179del. To our knowledge, functional studies have not been reported for this variant. This variant has not been reported in individuals affected with PMS2-related disorders in the literature. This variant has not been identified in the general population by the Genome Aggregation Database (gnomAD). The available evidence is insufficient to determine the role of this variant in disease conclusively. Therefore, this variant is classified as a Variant of Uncertain Significance.

GeneDx
Classification: Uncertain significance. Last evaluated: 2025-03-31. Review status: criteria provided, single submitter. Criteria: GeneDx Variant Classification Process June 2021. Collection method: clinical testing. Allele origin: germline. Affected: yes.
Comment: In-frame deletion of 1 amino acid in a non-repeat region; Not observed at significant frequency in large population cohorts (gnomAD); In silico analysis suggests this variant may impact gene splicing. In the absence of RNA/functional studies, the actual effect of this sequence change is unknown.; In silico analysis supports a deleterious effect on protein structure/function; Has not been previously published as pathogenic or benign to our knowledge; This variant is associated with the following publications: (PMID: 11574484)

Labcorp Genetics (formerly Invitae), Labcorp
Classification: Uncertain significance for Hereditary nonpolyposis colorectal neoplasms. Last evaluated: 2024-11-26. Review status: criteria provided, single submitter. Criteria: Invitae Variant Classification Sherloc (09022015). Collection method: clinical testing. Allele origin: germline.
Comment: This variant, c.535_537del, results in the deletion of 1 amino acid(s) of the PMS2 protein (p.Lys179del), but otherwise preserves the integrity of the reading frame. This variant is not present in population databases (gnomAD no frequency). This variant has been observed in individuals with clinical features of Lynch syndrome (internal data). ClinVar contains an entry for this variant (Variation ID: 234572). Studies have shown that this variant is associated with inconclusive levels of altered splicing (internal data). In summary, the available evidence is currently insufficient to determine the role of this variant in disease. Therefore, it has been classified as a Variant of Uncertain Significance.

Quest Diagnostics Nichols Institute San Juan Capistrano
Classification: Uncertain significance. Last evaluated: 2023-12-28. Review status: criteria provided, single submitter. Criteria: Quest Diagnostics criteria. Collection method: clinical testing. Allele origin: unknown.
Comment: The PMS2 c.535_537del (p.Lys179del) variant has not been reported in individuals with PMS2-related conditions in the published literature. It also has not been reported in large, multi-ethnic general populations (Genome Aggregation Database). Analysis of this variant using software algorithms for the prediction of the effect of nucleotide changes on PMS2 mRNA splicing yielded inconclusive findings. Based on the available information, we are unable to determine the clinical significance of this variant.